The following is an entry in ClinVar:

NM_198291.3(SRC):c.1039+5G>C

Gene: SRC (SRC proto-oncogene, non-receptor tyrosine kinase; plus strand). Cytogenetic location: 20q11.23.
Variant type: single nucleotide variant.
Coding change: c.1039+5G>C on transcript NM_198291.3 (MANE Select); 5 bases into the intron after coding-DNA position 1039, G replaced by C.
Molecular consequence: intron variant.
Genome position (GRCh38, 1-based): chr20:37,400,299, G>C. VCF-style: chr20-37400299-G-C. GRCh37 (hg19) VCF-style: chr20-36028702-G-C.
Other names: c.1039+5G>C (NM_005417.5).
Identifiers: ClinVar variation 3252895 (VCV003252895.1), dbSNP rs2516462697.

ClinVar aggregate classification (germline): Uncertain significance (1 of 4 stars; one submission).

Submission:

GeneDx
Classification: Uncertain significance. Last evaluated: 2023-12-09. Review status: criteria provided, single submitter. Criteria: GeneDx Variant Classification Process June 2021. Collection method: clinical testing. Allele origin: germline. Affected: yes.
Comment: Not observed at significant frequency in large population cohorts (gnomAD); In silico analysis supports a deleterious effect on splicing; Has not been previously published as pathogenic or benign to our knowledge